The following is an entry in ClinVar:

NM_005591.4(MRE11):c.988C>G (p.Gln330Glu)

Gene: MRE11 (MRE11 double strand break repair nuclease; minus strand). Cytogenetic location: 11q21.
Variant type: single nucleotide variant.
Coding change: c.988C>G on transcript NM_005591.4 (MANE Select); coding-DNA position 988, C replaced by G.
Protein change: p.Gln330Glu; replaces glutamine 330 with glutamic acid.
Molecular consequence: missense variant.
Genome position (GRCh38, 1-based): chr11:94,470,500, G>C on the plus strand (C>G on the coding strand, the complement: MRE11 is on the minus strand). VCF-style: chr11-94470500-G-C. GRCh37 (hg19) VCF-style: chr11-94203666-G-C.
Other names: c.988C>G, p.Gln330Glu (NM_001330347.2, NM_005590.4); short protein forms Q330E.
Identifiers: ClinVar variation 1799747 (VCV001799747.2), dbSNP rs1437693931, ClinGen allele CA382374247.

ClinVar aggregate classification (germline): Uncertain significance (1 of 4 stars; one submission).

Conditions:
Hereditary cancer-predisposing syndrome. Also called: Neoplastic Syndromes, Hereditary; Tumor predisposition; Hereditary Cancer Syndrome; Hereditary neoplastic syndrome. Identifiers: Orphanet 140162, MedGen C0027672, MeSH D009386, MONDO:0015356.

Allele frequency attached by ClinVar (database versions not stated): gnomAD exomes below 0.00001.
gnomAD v4.1: 1 of 1,612,968 alleles (0.000062%); highest among the groups gnomAD compares: Non-Finnish European, 0.000085%; no homozygotes.

Submission:

Ambry Genetics
Classification: Uncertain significance for Hereditary cancer-predisposing syndrome. Last evaluated: 2021-03-09. Review status: criteria provided, single submitter. Criteria: Ambry Variant Classification Scheme 2023. Collection method: clinical testing. Allele origin: germline.
Comment: The p.Q330E variant (also known as c.988C>G), located in coding exon 8 of the MRE11A gene, results from a C to G substitution at nucleotide position 988. The glutamine at codon 330 is replaced by glutamic acid, an amino acid with highly similar properties. This amino acid position is not well conserved in available vertebrate species. In addition, this alteration is predicted to be tolerated by in silico analysis. Since supporting evidence is limited at this time, the clinical significance of this alteration remains unclear.